The following is an entry in ClinVar:

ClinVar aggregate classification (germline): Uncertain significance (1 of 4 stars; one submission).

Submission:

GeneDx
Classification: Uncertain significance. Last evaluated: 2022-08-25. Review status: criteria provided, single submitter. Criteria: GeneDx Variant Classification Process June 2021. Collection method: clinical testing. Allele origin: germline. Affected: yes.
Comment: Not observed at significant frequency in large population cohorts (gnomAD); In silico analysis supports that this missense variant has a deleterious effect on protein structure/function; Has not been previously published as pathogenic or benign to our knowledge

NM_014991.6(WDFY3):c.8212T>G (p.Ser2738Ala)

Gene: WDFY3 (WD repeat and FYVE domain containing 3; minus strand). Cytogenetic location: 4q21.23.
Variant type: single nucleotide variant.
Coding change: c.8212T>G on transcript NM_014991.6 (MANE Select); coding-DNA position 8212, T replaced by G.
Protein change: p.Ser2738Ala; replaces serine 2738 with alanine.
Molecular consequence: missense variant.
Genome position (GRCh38, 1-based): chr4:84,708,914, A>C on the plus strand (T>G on the coding strand, the complement: WDFY3 is on the minus strand). VCF-style: chr4-84708914-A-C. GRCh37 (hg19) VCF-style: chr4-85630067-A-C.
Other names: short protein forms S2738A.
Identifiers: ClinVar variation 2430415 (VCV002430415.1), dbSNP rs2531262064, ClinGen allele CA357540047.